The following is an entry in ClinVar:

NM_020778.5(ALPK3):c.1525G>T (p.Gly509Trp)

Genes: ALPK3 (alpha kinase 3; plus strand), LOC111718493 (skeletal muscle cis-regulatory module overlapping ALPK3; plus strand). Cytogenetic location: 15q25.3.
Variant type: single nucleotide variant.
Coding change: c.1525G>T on transcript NM_020778.5 (MANE Select); coding-DNA position 1525, G replaced by T.
Protein change: p.Gly509Trp; replaces glycine 509 with tryptophan.
Molecular consequence: missense variant.
Genome position (GRCh38, 1-based): chr15:84,840,804, G>T. VCF-style: chr15-84840804-G-T. GRCh37 (hg19) VCF-style: chr15-85384035-G-T.
Other names: c.2131G>T (NM_020778.4); short protein forms G509W.
Identifiers: ClinVar variation 1933866 (VCV001933866.6), dbSNP rs1963654900, ClinGen allele CA393375813.

ClinVar aggregate classification (germline): Uncertain significance. Review status: criteria provided, multiple submitters, no conflicts (2 of 4 stars). 2 submissions from 2 submitters: Uncertain significance (2). Last evaluated 2024-05-15.

Conditions:
Cardiovascular phenotype. Identifiers: MedGen CN230736.

gnomAD v4.1: 2 of 1,614,212 alleles (0.00012%); highest among the groups gnomAD compares: African/African-American, 0.0013%; no homozygotes.

Submissions (2):

Labcorp Genetics (formerly Invitae), Labcorp
Classification: Uncertain significance. Last evaluated: 2024-05-15. Review status: criteria provided, single submitter. Criteria: Invitae Variant Classification Sherloc (09022015). Collection method: clinical testing. Allele origin: germline.
Comment: This sequence change replaces glycine, which is neutral and non-polar, with tryptophan, which is neutral and slightly polar, at codon 711 of the ALPK3 protein (p.Gly711Trp). This variant is not present in population databases (gnomAD no frequency). This variant has not been reported in the literature in individuals affected with ALPK3-related conditions. ClinVar contains an entry for this variant (Variation ID: 1933866). An algorithm developed to predict the effect of missense changes on protein structure and function (PolyPhen-2) suggests that this variant is likely to be disruptive. In summary, the available evidence is currently insufficient to determine the role of this variant in disease. Therefore, it has been classified as a Variant of Uncertain Significance.

Ambry Genetics
Classification: Uncertain significance for Cardiovascular phenotype. Last evaluated: 2024-04-06. Review status: criteria provided, single submitter. Criteria: Ambry Variant Classification Scheme 2023. Collection method: clinical testing. Allele origin: germline.
Comment: The p.G711W variant (also known as c.2131G>T), located in coding exon 5 of the ALPK3 gene, results from a G to T substitution at nucleotide position 2131. The glycine at codon 711 is replaced by tryptophan, an amino acid with highly dissimilar properties. This amino acid position is conserved. In addition, this alteration is predicted to be tolerated by in silico analysis. Based on the available evidence, the clinical significance of this variant remains unclear.